The following is an entry in ClinVar:

NM_032242.4(PLXNA1):c.1764C>T (p.Asn588=)

Gene: PLXNA1 (plexin A1; plus strand). Cytogenetic location: 3q21.3.
Variant type: single nucleotide variant.
Coding change: c.1764C>T on transcript NM_032242.4 (MANE Select); coding-DNA position 1764, C replaced by T.
Protein change: p.Asn588=; no amino-acid change (asparagine 588 retained).
Molecular consequence: synonymous variant.
Genome position (GRCh38, 1-based): chr3:127,005,110, C>T. VCF-style: chr3-127005110-C-T. GRCh37 (hg19) VCF-style: chr3-126723953-C-T.
Identifiers: ClinVar variation 3357820 (VCV003357820.1).

ClinVar aggregate classification (germline): Likely benign (0 of 4 stars; one submission).

Conditions:
PLXNA1-related disorder. Also called: PLXNA1-related condition.

gnomAD v4.1: 5 of 1,612,726 alleles (0.00031%); highest among the groups gnomAD compares: Admixed American, 0.0033%; no homozygotes.

Submission:

PreventionGenetics, part of Exact Sciences
Classification: Likely benign for PLXNA1-related condition. Last evaluated: 2021-09-23. Review status: no assertion criteria provided. Collection method: clinical testing. Allele origin: germline.
Comment: This variant is classified as likely benign based on ACMG/AMP sequence variant interpretation guidelines (Richards et al. 2015 PMID: 25741868, with internal and published modifications).